The following is an entry in ClinVar:

ClinVar aggregate classification (germline): Uncertain significance. Review status: criteria provided, multiple submitters, no conflicts (2 of 4 stars). 2 submissions from 2 submitters: Uncertain significance (2). Last evaluated 2023-08-28.

Conditions:
Nephronophthisis 14 (NPHP14). Identifiers: Orphanet 2318, MedGen C3539071, MONDO:0013916, OMIM 614844.

Allele frequency attached by ClinVar (database versions not stated): gnomAD exomes 0.00001; TOPMed 0.00001.
gnomAD v4.1: 7 of 1,602,958 alleles (0.00044%); highest among the groups gnomAD compares: Middle Eastern, 0.033%; no homozygotes.

Submissions (2):

Ambry Genetics
Classification: Uncertain significance. Last evaluated: 2023-08-28. Review status: criteria provided, single submitter. Criteria: Ambry Variant Classification Scheme 2023. Collection method: clinical testing. Allele origin: germline.

Labcorp Genetics (formerly Invitae), Labcorp
Classification: Uncertain significance for Nephronophthisis 14. Last evaluated: 2022-08-09. Review status: criteria provided, single submitter. Criteria: Invitae Variant Classification Sherloc (09022015). Collection method: clinical testing. Allele origin: germline.
Comment: In summary, the available evidence is currently insufficient to determine the role of this variant in disease. Therefore, it has been classified as a Variant of Uncertain Significance. Algorithms developed to predict the effect of missense changes on protein structure and function output the following: SIFT: "Tolerated"; PolyPhen-2: "Benign"; Align-GVGD: "Class C0". The alanine amino acid residue is found in multiple mammalian species, which suggests that this missense change does not adversely affect protein function. ClinVar contains an entry for this variant (Variation ID: 1424630). This variant has not been reported in the literature in individuals affected with ZNF423-related conditions. This variant is not present in population databases (gnomAD no frequency). This sequence change replaces valine, which is neutral and non-polar, with alanine, which is neutral and non-polar, at codon 1104 of the ZNF423 protein (p.Val1104Ala).

NM_001379286.1(ZNF423):c.3335T>C (p.Val1112Ala)

Gene: ZNF423 (zinc finger protein 423; minus strand). Cytogenetic location: 16q12.1.
Variant type: single nucleotide variant.
Coding change: c.3335T>C on transcript NM_001379286.1 (MANE Select); coding-DNA position 3335, T replaced by C.
Protein change: p.Val1112Ala; replaces valine 1112 with alanine.
Molecular consequence: missense variant.
Genome position (GRCh38, 1-based): chr16:49,635,841, A>G on the plus strand (T>C on the coding strand, the complement: ZNF423 is on the minus strand). VCF-style: chr16-49635841-A-G. GRCh37 (hg19) VCF-style: chr16-49669752-A-G.
Other names: c.3131T>C, p.Val1044Ala (NM_001271620.2); c.2960T>C, p.Val987Ala (NM_001330533.2); c.3311T>C, p.Val1104Ala (NM_015069.5); c.3311T>C (NM_015069.2); short protein forms V1044A, V1104A, V1112A, V987A.
Identifiers: ClinVar variation 1424630 (VCV001424630.5), dbSNP rs1448778120, ClinGen allele CA395839574.